The following is an entry in ClinVar:

NM_004994.3(MMP9):c.1835A>G (p.Gln612Arg)

Genes: MMP9 (matrix metallopeptidase 9; plus strand), SLC12A5-AS1 (SLC12A5 and MMP9 antisense RNA 1; minus strand). Cytogenetic location: 20q13.12.
Variant type: single nucleotide variant.
Coding change: c.1835A>G on transcript NM_004994.3 (MANE Select); coding-DNA position 1835, A replaced by G.
Protein change: p.Gln612Arg; replaces glutamine 612 with arginine.
Molecular consequence: missense variant. On other transcripts: non-coding transcript variant (1).
Genome position (GRCh38, 1-based): chr20:46,014,208, A>G. VCF-style: chr20-46014208-A-G. GRCh37 (hg19) VCF-style: chr20-44642847-A-G.
Other names: short protein forms Q612R.
Identifiers: ClinVar variation 3718117 (VCV003718117.2).

ClinVar aggregate classification (germline): Uncertain significance (1 of 4 stars; one submission).

gnomAD v4.1: 22 of 1,531,556 alleles (0.0014%); highest among the groups gnomAD compares: Non-Finnish European, 0.0018%; no homozygotes.

Submission:

Labcorp Genetics (formerly Invitae), Labcorp
Classification: Uncertain significance. Last evaluated: 2024-09-03. Review status: criteria provided, single submitter. Criteria: Invitae Variant Classification Sherloc (09022015). Collection method: clinical testing. Allele origin: germline.
Comment: This sequence change replaces glutamine, which is neutral and polar, with arginine, which is basic and polar, at codon 612 of the MMP9 protein (p.Gln612Arg). This variant is not present in population databases (gnomAD no frequency). This variant has not been reported in the literature in individuals affected with MMP9-related conditions. Invitae Evidence Modeling of protein sequence and biophysical properties (such as structural, functional, and spatial information, amino acid conservation, physicochemical variation, residue mobility, and thermodynamic stability) indicates that this missense variant is not expected to disrupt MMP9 protein function with a negative predictive value of 80%. In summary, the available evidence is currently insufficient to determine the role of this variant in disease. Therefore, it has been classified as a Variant of Uncertain Significance.